The following is an entry in ClinVar:

ClinVar aggregate classification (germline): Conflicting classifications of pathogenicity. Review status: criteria provided, conflicting classifications (1 of 4 stars). 2 submissions from 2 submitters: Uncertain significance (1); Likely benign (1). Last evaluated 2026-08-13.

Conditions:
TTN-related disorder. Also called: TTN-related disorders; TTN-related condition; TTN-related disease.
Cardiovascular phenotype. Identifiers: MedGen CN230736.

Allele frequency attached by ClinVar (database versions not stated): gnomAD exomes below 0.00001; ExAC 0.00001; gnomAD 0.00001; TOPMed 0.00001.
gnomAD v4.1: 7 of 1,613,938 alleles (0.00043%); highest among the groups gnomAD compares: East Asian, 0.0022%; no homozygotes.

Submissions (2):

PreventionGenetics, part of Exact Sciences
Classification: Uncertain significance for TTN-related condition. Last evaluated: 2026-08-13. Review status: criteria provided, single submitter. Criteria: ACMG Guidelines, 2015. Collection method: clinical testing. Allele origin: germline.
Comment: The TTN c.7024G>A variant is predicted to result in the amino acid substitution p.Gly2342Arg. To our knowledge, this variant has not been reported in the literature. This variant is reported in 0.0050% of alleles in individuals of East Asian descent in gnomAD. At this time, the clinical significance of this variant is uncertain due to the absence of conclusive functional and genetic evidence.

Ambry Genetics
Classification: Likely benign for Cardiovascular phenotype. Last evaluated: 2019-05-24. Review status: criteria provided, single submitter. Criteria: Ambry Variant Classification Scheme 2023. Collection method: clinical testing. Allele origin: germline.

NM_001267550.2(TTN):c.7024G>A (p.Gly2342Arg)

Genes: TTN (titin; minus strand), LOC126806433 (BRD4-independent group 4 enhancer GRCh37_chr2:179638309-179639508; plus strand). Cytogenetic location: 2q31.2.
Variant type: single nucleotide variant.
Coding change: c.7024G>A on transcript NM_001267550.2 (MANE Select); coding-DNA position 7024, G replaced by A.
Protein change: p.Gly2342Arg; replaces glycine 2342 with arginine.
Molecular consequence: missense variant.
Genome position (GRCh38, 1-based): chr2:178,774,240, C>T on the plus strand (G>A on the coding strand, the complement: TTN is on the minus strand). VCF-style: chr2-178774240-C-T. GRCh37 (hg19) VCF-style: chr2-179638967-C-T.
Other names: c.7024G>A, p.Gly2342Arg (NM_001256850.1, NM_133378.4, NM_133379.5); c.6886G>A, p.Gly2296Arg (NM_003319.4, NM_133432.3, NM_133437.4); short protein forms G2342R, G2296R.
Identifiers: ClinVar variation 1755966 (VCV001755966.3), dbSNP rs749933813, ClinGen allele CA2004918.
Genomic context (GRCh38, chr2:178,774,240, plus strand): 5'-CAGGCTGACAGGAATGGGAGGACTTACGTTTCATCTTTAATTTACAGGTTGTCTTTTTCC[C>T]GTCGATGACAAAGCTGTATTCTCCCTGGTCCTCCTTGGTTACATCCTTGACCGTGAGGTT-3'
Protein context (NP_001254479.2, residues 2332-2352): DQGEYSFVID[Gly2342Arg]KKTTCKLKMK